The following is an entry in ClinVar:

ClinVar aggregate classification (germline): Uncertain significance (1 of 4 stars; one submission).

Submission:

Labcorp Genetics (formerly Invitae), Labcorp
Classification: Uncertain significance. Last evaluated: 2022-04-18. Review status: criteria provided, single submitter. Criteria: Invitae Variant Classification Sherloc (09022015). Collection method: clinical testing. Allele origin: germline.
Comment: In summary, the available evidence is currently insufficient to determine the role of this variant in disease. Therefore, it has been classified as a Variant of Uncertain Significance. Algorithms developed to predict the effect of missense changes on protein structure and function are either unavailable or do not agree on the potential impact of this missense change (SIFT: "Deleterious"; PolyPhen-2: "Possibly Damaging"; Align-GVGD: "Class C0"). This variant has not been reported in the literature in individuals affected with HSPG2-related conditions. This variant is not present in population databases (gnomAD no frequency). This sequence change replaces serine, which is neutral and polar, with isoleucine, which is neutral and non-polar, at codon 2412 of the HSPG2 protein (p.Ser2412Ile).

NM_005529.7(HSPG2):c.7235G>T (p.Ser2412Ile)

Gene: HSPG2 (heparan sulfate proteoglycan 2; minus strand). Cytogenetic location: 1p36.12.
Variant type: single nucleotide variant.
Coding change: c.7235G>T on transcript NM_005529.7 (MANE Select); coding-DNA position 7235, G replaced by T.
Protein change: p.Ser2412Ile; replaces serine 2412 with isoleucine.
Molecular consequence: missense variant.
Genome position (GRCh38, 1-based): chr1:21,850,422, C>A on the plus strand (G>T on the coding strand, the complement: HSPG2 is on the minus strand). VCF-style: chr1-21850422-C-A. GRCh37 (hg19) VCF-style: chr1-22176915-C-A.
Other names: c.7238G>T, p.Ser2413Ile (NM_001291860.2); short protein forms S2413I, S2412I.
Identifiers: ClinVar variation 2123945 (VCV002123945.4), dbSNP rs146309392, ClinGen allele CA338925445.